The following is an entry in ClinVar:

NM_000321.3(RB1):c.166_170del (p.Asp56fs)

Gene: RB1 (RB transcriptional corepressor 1; plus strand). Cytogenetic location: 13q14.2.
Variant type: Deletion.
Coding change: c.166_170del on transcript NM_000321.3 (MANE Select); coding-DNA positions 166 to 170, 5 bases deleted (GATTT; older notation c.166_170delGATTT).
Protein change: p.Asp56fs; shifts the reading frame from aspartic acid 56.
Molecular consequence: frameshift variant.
Genome position (GRCh38, 1-based): chr13:48,307,308-48,307,312, GATTT deleted; deleting any 5 consecutive bases within chr13:48,307,307-48,307,312 gives the same sequence; the c. name uses the placement nearest the transcript's 3' end. VCF-style (leftmost placement, unchanged base first): chr13-48307306-CTGATT-C. GRCh37 (hg19) VCF-style: chr13-48881442-CTGATT-C.
Other names: c.166_170del, p.Asp56fs (NM_001407165.1, NM_001407166.1, NM_001407167.1); short protein forms D56fs.
Identifiers: ClinVar variation 3237079 (VCV003237079.1), dbSNP rs2542099970.

ClinVar aggregate classification (germline): Pathogenic (1 of 4 stars; one submission).

Conditions:
Retinoblastoma (RB1). Also called: RETINOBLASTOMA, SOMATIC. Identifiers: Orphanet 790, MedGen C0035335, MeSH D012175, MONDO:0008380, OMIM 180200, HP:0009919. Disease mechanism: loss of function. Inheritance: Both sporadic and heritable forms are tested..

Submission:

Genetic Diagnostic Laboratory, University of Pennsylvania School of Medicine
Classification: Pathogenic for Retinoblastoma. Last evaluated: 2024-05-20. Review status: criteria provided, single submitter. Criteria: ACMG Guidelines, 2015. Collection method: clinical testing. Allele origin: germline. Affected: yes. Observed: 1 variant allele.
Comment: Case and Pedigree Information: BILATERAL CASES:1, UNILATERAL CASES:0, TOTAL CASES:1, PEDIGREES:1. ACMG Codes Applied:PVS1, PM2